The following is an entry in ClinVar:

NM_015450.3(POT1):c.1372G>A (p.Gly458Ser)

Gene: POT1 (protection of telomeres 1; minus strand). Cytogenetic location: 7q31.33.
Variant type: single nucleotide variant.
Coding change: c.1372G>A on transcript NM_015450.3 (MANE Select); coding-DNA position 1372, G replaced by A.
Protein change: p.Gly458Ser; replaces glycine 458 with serine.
Molecular consequence: missense variant. On other transcripts: non-coding transcript variant (3).
Genome position (GRCh38, 1-based): chr7:124,835,412, C>T on the plus strand (G>A on the coding strand, the complement: POT1 is on the minus strand). VCF-style: chr7-124835412-C-T. GRCh37 (hg19) VCF-style: chr7-124475466-C-T.
Other names: c.979G>A, p.Gly327Ser (NM_001042594.2); short protein forms G327S, G458S.
Identifiers: ClinVar variation 851141 (VCV000851141.12), dbSNP rs1794876267, ClinGen allele CA369066073.

ClinVar aggregate classification (germline): Uncertain significance. Review status: criteria provided, multiple submitters, no conflicts (2 of 4 stars). 3 submissions from 3 submitters: Uncertain significance (3). Last evaluated 2023-02-27.

Conditions:
Tumor predisposition syndrome 3 (TPDS3). Also called: Melanoma, cutaneous malignant, susceptibility to, 10; Glioma susceptibility 9; LONG TELOMERE SYNDROME, POT1-RELATED; POT1 Tumor Predisposition. Identifiers: Orphanet 618, MedGen C4014476, MONDO:0014368, OMIM 615848.
Hereditary cancer-predisposing syndrome. Also called: Neoplastic Syndromes, Hereditary; Hereditary neoplastic syndrome; Tumor predisposition; Hereditary Cancer Syndrome. Identifiers: Orphanet 140162, MedGen C0027672, MeSH D009386, MONDO:0015356.

Submissions (3):

GeneDx
Classification: Uncertain significance. Last evaluated: 2023-02-27. Review status: criteria provided, single submitter. Criteria: GeneDx Variant Classification Process June 2021. Collection method: clinical testing. Allele origin: germline. Affected: yes.
Comment: Not observed at significant frequency in large population cohorts (gnomAD); In silico analysis supports that this missense variant does not alter protein structure/function; Has not been previously published as pathogenic or benign to our knowledge; This variant is associated with the following publications: (PMID: 28393830)

Ambry Genetics
Classification: Uncertain significance for Hereditary cancer-predisposing syndrome. Last evaluated: 2022-12-07. Review status: criteria provided, single submitter. Criteria: Ambry Variant Classification Scheme 2023. Collection method: clinical testing. Allele origin: germline.
Comment: The p.G458S variant (also known as c.1372G>A), located in coding exon 11 of the POT1 gene, results from a G to A substitution at nucleotide position 1372. The glycine at codon 458 is replaced by serine, an amino acid with similar properties. This amino acid position is conserved. In addition, this alteration is predicted to be tolerated by in silico analysis. Since supporting evidence is limited at this time, the clinical significance of this alteration remains unclear.

Labcorp Genetics (formerly Invitae), Labcorp
Classification: Uncertain significance for Tumor predisposition syndrome 3. Last evaluated: 2022-03-26. Review status: criteria provided, single submitter. Criteria: Invitae Variant Classification Sherloc (09022015). Collection method: clinical testing. Allele origin: germline.
Comment: ClinVar contains an entry for this variant (Variation ID: 851141). In summary, the available evidence is currently insufficient to determine the role of this variant in disease. Therefore, it has been classified as a Variant of Uncertain Significance. Algorithms developed to predict the effect of missense changes on protein structure and function (SIFT, PolyPhen-2, Align-GVGD) all suggest that this variant is likely to be tolerated. This variant has not been reported in the literature in individuals affected with POT1-related conditions. This variant is not present in population databases (gnomAD no frequency). This sequence change replaces glycine, which is neutral and non-polar, with serine, which is neutral and polar, at codon 458 of the POT1 protein (p.Gly458Ser).